The following is an entry in ClinVar:

ClinVar aggregate classification (germline): Uncertain significance. Review status: criteria provided, multiple submitters, no conflicts (2 of 4 stars). 2 submissions from 2 submitters: Uncertain significance (2). Last evaluated 2026-01-06.

Conditions:
Creatine transporter deficiency (CCDS1). Also called: Mental retardation , X-linked with seizures, short stature and midface hypoplasia; Mental retardation , X-linked, with creatine transport deficiency; X-linked creatine transporter deficiency; X-linked creatine deficiency syndrome; SLC6A8-Related Creatine Transporter Deficiency; CREATINE TRANSPORTER DEFECT. Identifiers: Orphanet 52503, MedGen C1845862, MONDO:0010305, OMIM 300352.

Allele frequency attached by ClinVar (database versions not stated): gnomAD exomes below 0.00001; TOPMed 0.00001.
gnomAD v4.1: 1 of 1,211,264 alleles (0.000083%); highest among the groups gnomAD compares: Admixed American, 0.0022%; no homozygotes.

Submissions (2):

GeneDx
Classification: Uncertain significance. Last evaluated: 2026-01-06. Review status: criteria provided, single submitter. Criteria: GeneDx Variant Classification Process June 2021. Collection method: clinical testing. Allele origin: germline.
Comment: Not observed at significant frequency in large population cohorts (gnomAD); In silico analysis supports that this missense variant has a deleterious effect on protein structure/function; Has not been previously published as pathogenic or benign to our knowledge

Labcorp Genetics (formerly Invitae), Labcorp
Classification: Uncertain significance for Creatine transporter deficiency. Last evaluated: 2023-10-06. Review status: criteria provided, single submitter. Criteria: Invitae Variant Classification Sherloc (09022015). Collection method: clinical testing. Allele origin: germline.
Comment: This sequence change replaces leucine, which is neutral and non-polar, with valine, which is neutral and non-polar, at codon 346 of the SLC6A8 protein (p.Leu346Val). This variant is present in population databases (no rsID available, gnomAD 0.004%). This variant has not been reported in the literature in individuals affected with SLC6A8-related conditions. Advanced modeling of protein sequence and biophysical properties (such as structural, functional, and spatial information, amino acid conservation, physicochemical variation, residue mobility, and thermodynamic stability) performed at Invitae indicates that this missense variant is not expected to disrupt SLC6A8 protein function. In summary, the available evidence is currently insufficient to determine the role of this variant in disease. Therefore, it has been classified as a Variant of Uncertain Significance.

NM_005629.4(SLC6A8):c.1036C>G (p.Leu346Val)

Gene: SLC6A8 (solute carrier family 6 member 8; plus strand). Cytogenetic location: Xq28.
Variant type: single nucleotide variant.
Coding change: c.1036C>G on transcript NM_005629.4 (MANE Select); coding-DNA position 1036, C replaced by G.
Protein change: p.Leu346Val; replaces leucine 346 with valine.
Molecular consequence: missense variant. On other transcripts: intron variant (1).
Genome position (GRCh38, 1-based): chrX:153,693,481, C>G. VCF-style: chrX-153693481-C-G. GRCh37 (hg19) VCF-style: chrX-152958936-C-G.
Other names: c.1036C>G (NM_005629.3); c.1017-11C>G (NM_001142805.2); c.691C>G, p.Leu231Val (NM_001142806.1); short protein forms L231V, L346V.
Identifiers: ClinVar variation 2912045 (VCV002912045.5), dbSNP rs1406686625, ClinGen allele CA415085269.